The following is an entry in ClinVar:

NM_002972.4(SBF1):c.335G>A (p.Gly112Asp)

Gene: SBF1 (SET binding factor 1; minus strand). Cytogenetic location: 22q13.33.
Variant type: single nucleotide variant.
Coding change: c.335G>A on transcript NM_002972.4 (MANE Select); coding-DNA position 335, G replaced by A.
Protein change: p.Gly112Asp; replaces glycine 112 with aspartic acid.
Molecular consequence: missense variant.
Genome position (GRCh38, 1-based): chr22:50,467,635, C>T on the plus strand (G>A on the coding strand, the complement: SBF1 is on the minus strand). VCF-style: chr22-50467635-C-T. GRCh37 (hg19) VCF-style: chr22-50906064-C-T.
Other names: c.338G>A, p.Gly113Asp (NM_001365819.1, NM_001410794.1); c.335G>A, p.Gly112Asp (NM_001410795.1, NM_197971.1); short protein forms G112D, G113D.
Identifiers: ClinVar variation 2079165 (VCV002079165.4), dbSNP rs2148605187, ClinGen allele CA412223475.

ClinVar aggregate classification (germline): Uncertain significance (1 of 4 stars; one submission).

Submission:

Labcorp Genetics (formerly Invitae), Labcorp
Classification: Uncertain significance. Last evaluated: 2022-01-11. Review status: criteria provided, single submitter. Criteria: Invitae Variant Classification Sherloc (09022015). Collection method: clinical testing. Allele origin: germline.
Comment: This variant has not been reported in the literature in individuals affected with SBF1-related conditions. This variant is not present in population databases (gnomAD no frequency). This sequence change replaces glycine, which is neutral and non-polar, with aspartic acid, which is acidic and polar, at codon 112 of the SBF1 protein (p.Gly112Asp). Algorithms developed to predict the effect of missense changes on protein structure and function output the following: SIFT: "Tolerated"; PolyPhen-2: "Possibly Damaging"; Align-GVGD: "Class C0". The aspartic acid amino acid residue is found in multiple mammalian species, which suggests that this missense change does not adversely affect protein function. In summary, the available evidence is currently insufficient to determine the role of this variant in disease. Therefore, it has been classified as a Variant of Uncertain Significance.